The following is an entry in ClinVar:

ClinVar aggregate classification (germline): Pathogenic/Likely pathogenic. Review status: criteria provided, multiple submitters, no conflicts (2 of 4 stars). 2 submissions from 2 submitters: Pathogenic (1); Likely pathogenic (1). Last evaluated 2025-06-28.

Conditions:
Glycogen storage disease type III (GSD3). Also called: Cori disease; FORBES DISEASE. Identifiers: Orphanet 366, MedGen C0017922, MONDO:0009291, OMIM 232400.

Submissions (2):

Immunogenetics and Transplant Biology Service, University Hospital "Città della Salute e della Scienza di Torino"
Classification: Pathogenic for Glycogen storage disease type III. Last evaluated: 2025-06-28. Review status: criteria provided, single submitter. Criteria: ACMG Guidelines, 2015. Collection method: clinical testing. Allele origin: germline. Affected: yes.

Institute of Human Genetics, University of Leipzig Medical Center
Classification: Likely pathogenic for Glycogen storage disease type III. Last evaluated: 2021-03-29. Review status: criteria provided, single submitter. Criteria: ACMG Guidelines, 2015. Collection method: clinical testing. Allele origin: maternal. Affected: yes.
Comment: This variant was identified as homozygous.

NM_000642.3(AGL):c.1736-11A>G

Gene: AGL (amylo-alpha-1,6-glucosidase and 4-alpha-glucanotransferase; plus strand). Cytogenetic location: 1p21.2.
Variant type: single nucleotide variant.
Coding change: c.1736-11A>G on transcript NM_000642.3 (MANE Select); 11 bases into the intron before coding-DNA position 1736, A replaced by G.
Molecular consequence: intron variant.
Genome position (GRCh38, 1-based): chr1:99,880,621, A>G. VCF-style: chr1-99880621-A-G. GRCh37 (hg19) VCF-style: chr1-100346177-A-G.
Other names: c.1736-11A>G (NM_000643.3, NM_000644.3, NM_001425326.1 and 2 more transcripts); c.1688-11A>G (NM_000646.3); c.1535-11A>G (NM_001425327.1); c.1532-11A>G (NM_001425328.1, NM_001425329.1); c.1358-11A>G (NM_001425332.1).
Identifiers: ClinVar variation 1285559 (VCV001285559.2), dbSNP rs2101148246, ClinGen allele CA2499214931.